The following is an entry in ClinVar:

NM_005144.5(HR):c.*931T>C

Gene: HR (HR lysine demethylase and nuclear receptor corepressor; minus strand). Cytogenetic location: 8p21.3.
Variant type: single nucleotide variant.
Coding change: c.*931T>C on transcript NM_005144.5 (MANE Select); 931 bases downstream of the stop codon, T replaced by C.
Molecular consequence: 3 prime UTR variant.
Genome position (GRCh38, 1-based): chr8:22,114,769, A>G on the plus strand (T>C on the coding strand, the complement: HR is on the minus strand). VCF-style: chr8-22114769-A-G. GRCh37 (hg19) VCF-style: chr8-21972282-A-G.
Other names: c.*931T>C (NM_018411.4).
Identifiers: ClinVar variation 362457 (VCV000362457.6), dbSNP rs76436208, ClinGen allele CA10625126.

ClinVar aggregate classification (germline): Benign. Review status: criteria provided, multiple submitters, no conflicts (2 of 4 stars). 3 submissions from 2 submitters: Benign (3). Last evaluated 2018-01-13.

Conditions:
Atrichia with papular lesions (APL). Also called: PAPULAR ATRICHIA. Identifiers: Orphanet 86819, MedGen C1859592, MONDO:0008847, OMIM 209500.
Alopecia universalis congenita (ALUNC). Also called: ATRICHIA, GENERALIZED. Identifiers: Orphanet 701, MedGen C1859877, MONDO:0008757, OMIM 203655.

Allele frequency attached by ClinVar (database versions not stated): gnomAD 0.00289 and 0.00424; gnomAD exomes 0.00357; TOPMed 0.00456; 1000 Genomes Project 0.02157; 1000 Genomes Project 30x 0.02171.
gnomAD v4.1: 639 of 152,542 alleles (0.42%); highest among the groups gnomAD compares: East Asian, 10%; 32 homozygotes.

Submissions (3):

Illumina Laboratory Services, Illumina
Classification: Benign for Alopecia universalis congenita. Last evaluated: 2018-01-13. Review status: criteria provided, single submitter. Criteria: ICSL Variant Classification Criteria 13 December 2019. Collection method: clinical testing. Allele origin: germline.
Comment: This variant was observed in the ICSL laboratory as part of a predisposition screen in an ostensibly healthy population. It had not been previously curated by ICSL or reported in the Human Gene Mutation Database (HGMD: prior to June 1st, 2018), and was therefore a candidate for classification through an automated scoring system. Utilizing variant allele frequency, disease prevalence and penetrance estimates, and inheritance mode, an automated score was calculated to assess if this variant is too frequent to cause the disease. Based on the score and internal cut-off values, a variant classified as benign is not then subjected to further curation. The score for this variant resulted in a classification of benign for this disease.

Illumina Laboratory Services, Illumina
Classification: Benign for Atrichia with papular lesions. Last evaluated: 2018-01-13. Review status: criteria provided, single submitter. Criteria: ICSL Variant Classification Criteria 13 December 2019. Collection method: clinical testing. Allele origin: germline.
Comment: the same text as in the submission from Illumina Laboratory Services, Illumina above.

Breakthrough Genomics
Classification: Benign. Review status: criteria provided, single submitter. Criteria: ACMG Guidelines, 2015. Collection method: not provided. Allele origin: germline. Inheritance: Autosomal recessive inheritance. Affected: yes.